The following is an entry in ClinVar:

NM_000051.4(ATM):c.7960dup (p.Thr2654fs)

Genes: ATM (ATM serine/threonine kinase; plus strand), C11orf65 (chromosome 11 open reading frame 65; minus strand). Cytogenetic location: 11q22.3.
Variant type: Duplication.
Coding change: c.7960dup on transcript NM_000051.4 (MANE Select); coding-DNA position 7960, one base duplicated (A; older notation c.7960dupA).
Protein change: p.Thr2654fs; shifts the reading frame from threonine 2654.
Molecular consequence: frameshift variant. On other transcripts: intron variant (2).
Genome position (GRCh38, 1-based): chr11:108,333,918, A duplicated. VCF-style (leftmost placement, unchanged base first): chr11-108333917-T-TA. GRCh37 (hg19) VCF-style: chr11-108204644-T-TA.
Other names: c.7960dup, p.Thr2654fs (NM_001351834.2); c.641-24847dup (NM_001330368.2); c.*38+1302dup (NM_001351110.2); short protein forms T2654fs.
Identifiers: ClinVar variation 1455296 (VCV001455296.7), dbSNP rs2136613666, ClinGen allele CA2573146609.

ClinVar aggregate classification (germline): Pathogenic (1 of 4 stars; one submission).

Conditions:
Ataxia-telangiectasia syndrome (AT). Also called: Ataxia-telangiectasia; LOUIS-BAR SYNDROME; Ataxia-telangiectasia, complementation group D; AT, COMPLEMENTATION GROUP C; ATAXIA-TELANGIECTASIA, COMPLEMENTATION GROUP A; ATAXIA-TELANGIECTASIA, FRESNO VARIANT. Identifiers: Orphanet 100, MedGen C0004135, MONDO:0008840, OMIM 208900.

Submission:

Labcorp Genetics (formerly Invitae), Labcorp
Classification: Pathogenic for Ataxia-telangiectasia syndrome. Last evaluated: 2026-01-11. Review status: criteria provided, single submitter. Criteria: Invitae Variant Classification Sherloc (09022015). Collection method: clinical testing. Allele origin: germline.
Comment: This sequence change creates a premature translational stop signal (p.Thr2654Asnfs*2) in the ATM gene. It is expected to result in an absent or disrupted protein product. Loss-of-function variants in ATM are known to be pathogenic (PMID: 23807571, 25614872). This variant is not present in population databases (gnomAD no frequency). This variant has not been reported in the literature in individuals affected with ATM-related conditions. ClinVar contains an entry for this variant (Variation ID: 1455296). Algorithms developed to predict the effect of sequence changes on RNA splicing suggest that this variant may disrupt the consensus splice site. For these reasons, this variant has been classified as Pathogenic.

Literature cited by the submitters: PubMed 23807571; PubMed 25614872.